The following is an entry in ClinVar:

NM_001040108.2(MLH3):c.3500G>A (p.Ser1167Asn)

Gene: MLH3 (mutL homolog 3; minus strand). Cytogenetic location: 14q24.3.
Variant type: single nucleotide variant.
Coding change: c.3500G>A on transcript NM_001040108.2 (MANE Select); coding-DNA position 3500, G replaced by A.
Protein change: p.Ser1167Asn; replaces serine 1167 with asparagine.
Molecular consequence: missense variant.
Genome position (GRCh38, 1-based): chr14:75,039,981, C>T on the plus strand (G>A on the coding strand, the complement: MLH3 is on the minus strand). VCF-style: chr14-75039981-C-T. GRCh37 (hg19) VCF-style: chr14-75506684-C-T.
Other names: c.3500G>A, p.Ser1167Asn (NM_014381.3); short protein forms S1167N.
Identifiers: ClinVar variation 544278 (VCV000544278.10), dbSNP rs769350518, ClinGen allele CA7275466.
Genomic context (GRCh38, chr14:75,039,981, plus strand): 5'-TGAATCATTCCTTTGGTGAAACGATAGGGATACAAGATGTTGTGAATTTTAACTGCTAAG[C>T]TCTCAGCCTGGCCACTGCTTACATCAACAGCAACCTAGAAAGACTCAGCAAAATATAATT-3'
Protein context (NP_001035197.1, residues 1157-1177): AVDVSSGQAE[Ser1167Asn]LAVKIHNILY

ClinVar aggregate classification (germline): Uncertain significance. Review status: criteria provided, multiple submitters, no conflicts (2 of 4 stars). 2 submissions from 2 submitters: Uncertain significance (2). Last evaluated 2025-09-10.

Conditions:
Colorectal cancer, hereditary nonpolyposis, type 7. Identifiers: Orphanet 144, MedGen C1858380, MONDO:0013725, OMIM 614385.

Allele frequency attached by ClinVar (database versions not stated): gnomAD exomes below 0.00001 and 0.00007; ExAC 0.00001; gnomAD 0.00001; TOPMed 0.00003.
gnomAD v4.1: 107 of 1,600,066 alleles (0.0067%); highest among the groups gnomAD compares: Non-Finnish European, 0.009%; no homozygotes.

Submissions (2):

Labcorp Genetics (formerly Invitae), Labcorp
Classification: Uncertain significance for Colorectal cancer, hereditary nonpolyposis, type 7. Last evaluated: 2025-09-10. Review status: criteria provided, single submitter. Criteria: Invitae Variant Classification Sherloc (09022015). Collection method: clinical testing. Allele origin: germline.
Comment: This sequence change replaces serine, which is neutral and polar, with asparagine, which is neutral and polar, at codon 1167 of the MLH3 protein (p.Ser1167Asn). This variant is present in population databases (rs769350518, gnomAD 0.0009%). This variant has not been reported in the literature in individuals affected with MLH3-related conditions. ClinVar contains an entry for this variant (Variation ID: 544278). An algorithm developed to predict the effect of missense changes on protein structure and function (PolyPhen-2) suggests that this variant is likely to be tolerated. In summary, the available evidence is currently insufficient to determine the role of this variant in disease. Therefore, it has been classified as a Variant of Uncertain Significance.

Ambry Genetics
Classification: Uncertain significance. Last evaluated: 2025-05-16. Review status: criteria provided, single submitter. Criteria: Ambry Variant Classification Scheme 2023. Collection method: clinical testing. Allele origin: germline.
Comment: The p.S1167N variant (also known as c.3500G>A), located in coding exon 4 of the MLH3 gene, results from a G to A substitution at nucleotide position 3500. The serine at codon 1167 is replaced by asparagine, an amino acid with highly similar properties. This amino acid position is not well conserved in available vertebrate species. In addition, this alteration is predicted to be tolerated by in silico analysis. Since supporting evidence is limited at this time, the clinical significance of this alteration remains unclear.